The following is an entry in ClinVar:

NM_001270508.2(TNFAIP3):c.748C>T (p.Leu250Phe)

Genes: TNFAIP3 (TNF alpha induced protein 3; plus strand), LOC126859807 (MED14-independent group 3 enhancer GRCh37_chr6:138196296-138197495; plus strand). Cytogenetic location: 6q23.3.
Variant type: single nucleotide variant.
Coding change: c.748C>T on transcript NM_001270508.2 (MANE Select); coding-DNA position 748, C replaced by T.
Protein change: p.Leu250Phe; replaces leucine 250 with phenylalanine.
Molecular consequence: missense variant.
Genome position (GRCh38, 1-based): chr6:137,876,109, C>T. VCF-style: chr6-137876109-C-T. GRCh37 (hg19) VCF-style: chr6-138197246-C-T.
Other names: c.748C>T, p.Leu250Phe (NM_001270507.2, NM_006290.4); short protein forms L250F.
Identifiers: ClinVar variation 2066441 (VCV002066441.4), dbSNP rs2114485439, ClinGen allele CA365784409.

ClinVar aggregate classification (germline): Uncertain significance (1 of 4 stars; one submission).

Submission:

Labcorp Genetics (formerly Invitae), Labcorp
Classification: Uncertain significance. Last evaluated: 2022-08-22. Review status: criteria provided, single submitter. Criteria: Invitae Variant Classification Sherloc (09022015). Collection method: clinical testing. Allele origin: germline.
Comment: In summary, the available evidence is currently insufficient to determine the role of this variant in disease. Therefore, it has been classified as a Variant of Uncertain Significance. Algorithms developed to predict the effect of missense changes on protein structure and function are either unavailable or do not agree on the potential impact of this missense change (SIFT: "Tolerated"; PolyPhen-2: "Probably Damaging"; Align-GVGD: "Class C0"). This variant has not been reported in the literature in individuals affected with TNFAIP3-related conditions. This variant is not present in population databases (gnomAD no frequency). This sequence change replaces leucine, which is neutral and non-polar, with phenylalanine, which is neutral and non-polar, at codon 250 of the TNFAIP3 protein (p.Leu250Phe).